The following is an entry in ClinVar:

NM_000535.7(PMS2):c.774_777delinsA (p.Ser258_Cys259delinsArg)

Gene: PMS2 (PMS1 homolog 2, mismatch repair system component; minus strand). Cytogenetic location: 7p22.1.
Variant type: Indel.
Coding change: c.774_777delinsA on transcript NM_000535.7 (MANE Select); coding-DNA positions 774 to 777, CTGT replaced by A.
Protein change: p.Ser258_Cys259delinsArg.
Molecular consequence: inframe indel. On other transcripts: 5 prime UTR variant (2), non-coding transcript variant (1), intron variant (3).
Genome position (GRCh38, 1-based): chr7:5,997,352-5,997,355, ACAG replaced by T on the plus strand (CTGT replaced by A on the coding strand, the reverse complement: PMS2 is on the minus strand). VCF-style: chr7-5997352-ACAG-T. GRCh37 (hg19) VCF-style: chr7-6036983-ACAG-T.
Other names: c.369_372delCTGTinsA, p.Ser123_Cys124delinsArg (NM_001018040.1); c.369_372delinsA, p.Ser123_Cys124delinsArg (NM_001322003.2, NM_001322004.2, NM_001322005.2 and 19 more transcripts); c.774_777delinsA, p.Ser258_Cys259delinsArg (NM_001322006.2, NM_001322014.2, NM_001406870.1 and 3 more transcripts); c.456_459delinsA, p.Ser152_Cys153delinsArg (NM_001322007.2, NM_001322008.2, NM_001406876.1 and 4 more transcripts); c.-160_-157delinsA (NM_001322011.2, NM_001322012.2); c.201_204delinsA, p.Ser67_Cys68delinsArg (NM_001322013.2, NM_001406909.1); c.465_468delinsA, p.Ser155_Cys156delinsArg (NM_001322015.2, NM_001406875.1, NM_001406877.1 and 6 more transcripts); c.960_963delinsA, p.Ser320_Cys321delinsArg (NM_001406866.1); and 8 more.
Identifiers: ClinVar variation 2637427 (VCV002637427.1), dbSNP rs2536220809, ClinGen allele CA2695198430.

ClinVar aggregate classification (germline): Uncertain significance (1 of 4 stars; one submission).

Submission:

Women's Health and Genetics/Laboratory Corporation of America, LabCorp
Classification: Uncertain significance. Last evaluated: 2023-10-24. Review status: criteria provided, single submitter. Criteria: LabCorp Variant Classification Summary - May 2015. Collection method: clinical testing. Allele origin: germline.
Comment: Variant summary: PMS2 c.774_777delinsA (p.Ser258_Cys259delinsArg) results in an in-frame deletion-insertion that is predicted to delete two amino acids (Ser258_Cys259) from the protein and also insert one amino acid (Arg) in the protein. The variant was absent in 282054 control chromosomes (gnomAD). The available data on variant occurrences in the general population are insufficient to allow any conclusion about variant significance. To our knowledge, no occurrence of c.774_777delinsA in individuals affected with Lynch Syndrome and no experimental evidence demonstrating its impact on protein function have been reported. No submitters have cited clinical-significance assessments for this variant to ClinVar after 2014. Based on the evidence outlined above, the variant was classified as uncertain significance.